The following is an entry in ClinVar:

ClinVar aggregate classification (germline): Uncertain significance (1 of 4 stars; one submission).

Conditions:
Congenital myasthenic syndrome 8. Also called: Myasthenic syndrome, congenital, 8, with pre- and postsynaptic defects; MYASTHENIC SYNDROME, CONGENITAL, DUE TO AGRIN DEFICIENCY. Identifiers: Orphanet 590, MedGen C3808739, MONDO:0014052, OMIM 615120.

Allele frequency attached by ClinVar (database versions not stated): gnomAD 0.00001; TOPMed 0.00002.
gnomAD v4.1: 5 of 1,610,372 alleles (0.00031%); highest among the groups gnomAD compares: Non-Finnish European, 0.00042%; no homozygotes.

Submission:

Labcorp Genetics (formerly Invitae), Labcorp
Classification: Uncertain significance for Congenital myasthenic syndrome 8. Last evaluated: 2020-02-17. Review status: criteria provided, single submitter. Criteria: Invitae Variant Classification Sherloc (09022015). Collection method: clinical testing. Allele origin: germline.
Comment: In summary, the available evidence is currently insufficient to determine the role of this variant in disease. Therefore, it has been classified as a Variant of Uncertain Significance. Algorithms developed to predict the effect of missense changes on protein structure and function are either unavailable or do not agree on the potential impact of this missense change (SIFT: "Deleterious"; PolyPhen-2: "Benign"; Align-GVGD: "Class C0"). This variant has not been reported in the literature in individuals with AGRN-related conditions. This variant is not present in population databases (ExAC no frequency). This sequence change replaces threonine with isoleucine at codon 1017 of the AGRN protein (p.Thr1017Ile). The threonine residue is moderately conserved and there is a moderate physicochemical difference between threonine and isoleucine.

NM_198576.4(AGRN):c.3050C>T (p.Thr1017Ile)

Gene: AGRN (agrin; plus strand). Cytogenetic location: 1p36.33.
Variant type: single nucleotide variant.
Coding change: c.3050C>T on transcript NM_198576.4 (MANE Select); coding-DNA position 3050, C replaced by T.
Protein change: p.Thr1017Ile; replaces threonine 1017 with isoleucine.
Molecular consequence: missense variant.
Genome position (GRCh38, 1-based): chr1:1,046,535, C>T. VCF-style: chr1-1046535-C-T. GRCh37 (hg19) VCF-style: chr1-981915-C-T.
Other names: c.3050C>T, p.Thr1017Ile (NM_001305275.2); c.2735C>T, p.Thr912Ile (NM_001364727.2); short protein forms T912I, T1017I.
Identifiers: ClinVar variation 847110 (VCV000847110.9), dbSNP rs1224006799, ClinGen allele CA337846745.
Genomic context (GRCh38, chr1:1,046,535, plus strand): 5'-TGCCGGCCCCCCCCGGCGCCCTCCCCCTGGCTCCCAGCAGTACCGCACACAGCCAGACCA[C>T]CCCTCCGCCCTCATCACGACCTCGGACCACTGCCAGCGTCCCCAGGACCACCGTGTGGCC-3'
Protein context (NP_940978.2, residues 1007-1027): APSSTAHSQT[Thr1017Ile]PPPSSRPRTT